The following is an entry in ClinVar:

ClinVar aggregate classification (germline): Uncertain significance (1 of 4 stars; one submission).

Conditions:
Ehlers-Danlos syndrome, classic type, 1 (EDSCL1). Also called: Ehlers-Danlos Syndrome, Classic Type, COL5A1-Related; EDS I; Ehlers-Danlos syndrome, type 1; EHLERS-DANLOS SYNDROME, GRAVIS TYPE; EHLERS-DANLOS SYNDROME, SEVERE CLASSIC TYPE. Identifiers: MedGen C0268335, MONDO:0019567, OMIM 130000.

Allele frequency attached by ClinVar (database versions not stated): TOPMed below 0.00001; gnomAD exomes below 0.00001.
gnomAD v4.1: 1 of 1,614,060 alleles (0.000062%); highest among the groups gnomAD compares: African/African-American, 0.0013%; no homozygotes.

Submission:

Labcorp Genetics (formerly Invitae), Labcorp
Classification: Uncertain significance for Ehlers-Danlos syndrome, classic type, 1. Last evaluated: 2023-06-18. Review status: criteria provided, single submitter. Criteria: Invitae Variant Classification Sherloc (09022015). Collection method: clinical testing. Allele origin: germline.
Comment: This sequence change replaces lysine, which is basic and polar, with asparagine, which is neutral and polar, at codon 642 of the COL5A1 protein (p.Lys642Asn). In summary, the available evidence is currently insufficient to determine the role of this variant in disease. Therefore, it has been classified as a Variant of Uncertain Significance. Advanced modeling of protein sequence and biophysical properties (such as structural, functional, and spatial information, amino acid conservation, physicochemical variation, residue mobility, and thermodynamic stability) has been performed at Invitae for this missense variant, however the output from this modeling did not meet the statistical confidence thresholds required to predict the impact of this variant on COL5A1 protein function. ClinVar contains an entry for this variant (Variation ID: 529276). This missense change has been observed in individual(s) with clinical features of COL5A1-related conditions (Invitae). This variant is not present in population databases (gnomAD no frequency).

NM_000093.5(COL5A1):c.1926G>T (p.Lys642Asn)

Gene: COL5A1 (collagen type V alpha 1 chain; plus strand). Cytogenetic location: 9q34.3.
Variant type: single nucleotide variant.
Coding change: c.1926G>T on transcript NM_000093.5 (MANE Select); coding-DNA position 1926, G replaced by T.
Protein change: p.Lys642Asn; replaces lysine 642 with asparagine.
Molecular consequence: missense variant.
Genome position (GRCh38, 1-based): chr9:134,758,287, G>T. VCF-style: chr9-134758287-G-T. GRCh37 (hg19) VCF-style: chr9-137650133-G-T.
Other names: c.1926G>T, p.Lys642Asn (NM_001278074.1); short protein forms K642N.
Identifiers: ClinVar variation 529276 (VCV000529276.10), dbSNP rs918992441, ClinGen allele CA201092425.